The following is an entry in ClinVar:

NM_005430.4(WNT1):c.499dup (p.Trp167fs)

Gene: WNT1 (Wnt family member 1; plus strand). Cytogenetic location: 12q13.12.
Variant type: Duplication.
Coding change: c.499dup on transcript NM_005430.4 (MANE Select); coding-DNA position 499, one base duplicated (T; older notation c.499dupT).
Protein change: p.Trp167fs; shifts the reading frame from tryptophan 167.
Molecular consequence: frameshift variant.
Genome position (GRCh38, 1-based): chr12:48,980,564, T duplicated. VCF-style (leftmost placement, unchanged base first): chr12-48980563-C-CT. GRCh37 (hg19) VCF-style: chr12-49374346-C-CT.
Other names: short protein forms W167fs.
Identifiers: ClinVar variation 1371714 (VCV001371714.6), dbSNP rs892838669, ClinGen allele CA236608563.

ClinVar aggregate classification (germline): Pathogenic (1 of 4 stars; one submission).

Allele frequency attached by ClinVar (database versions not stated): TOPMed 0.00001.

Submission:

Labcorp Genetics (formerly Invitae), Labcorp
Classification: Pathogenic. Last evaluated: 2021-06-02. Review status: criteria provided, single submitter. Criteria: Invitae Variant Classification Sherloc (09022015). Collection method: clinical testing. Allele origin: germline.
Comment: For these reasons, this variant has been classified as Pathogenic. This sequence change creates a premature translational stop signal (p.Trp167Leufs*9) in the WNT1 gene. It is expected to result in an absent or disrupted protein product. Loss-of-function variants in WNT1 are known to be pathogenic (PMID: 23434763, 23499309). This variant is not present in population databases (ExAC no frequency). This variant has not been reported in the literature in individuals with WNT1-related conditions.

Literature cited by the submitters: PubMed 23434763; PubMed 23499309.